The following is an entry in ClinVar:

NM_001378454.1(ALMS1):c.1073A>G (p.Glu358Gly)

Gene: ALMS1 (ALMS1 centrosome and basal body associated protein; plus strand). Cytogenetic location: 2p13.1.
Variant type: single nucleotide variant.
Coding change: c.1073A>G on transcript NM_001378454.1 (MANE Select); coding-DNA position 1073, A replaced by G.
Protein change: p.Glu358Gly; replaces glutamic acid 358 with glycine.
Molecular consequence: missense variant.
Genome position (GRCh38, 1-based): chr2:73,424,738, A>G. VCF-style: chr2-73424738-A-G. GRCh37 (hg19) VCF-style: chr2-73651866-A-G.
Other names: c.1076A>G, p.Glu359Gly (NM_015120.4); short protein forms E359G, E358G.
Identifiers: ClinVar variation 4042754 (VCV004042754.1).

ClinVar aggregate classification (germline): Uncertain significance (1 of 4 stars; one submission).

Conditions:
Cardiovascular phenotype. Identifiers: MedGen CN230736.

gnomAD v4.1: 1 of 1,614,124 alleles (0.000062%); highest among the groups gnomAD compares: African/African-American, 0.0013%; no homozygotes.

Submission:

Ambry Genetics
Classification: Uncertain significance for Cardiovascular phenotype. Last evaluated: 2025-06-05. Review status: criteria provided, single submitter. Criteria: Ambry Variant Classification Scheme 2023. Collection method: clinical testing. Allele origin: germline.
Comment: The p.E359G variant (also known as c.1076A>G), located in coding exon 5 of the ALMS1 gene, results from an A to G substitution at nucleotide position 1076. The glutamic acid at codon 359 is replaced by glycine, an amino acid with similar properties. This amino acid position is well conserved in available vertebrate species. In addition, this alteration is predicted to be tolerated by in silico analysis. Based on the available evidence, the clinical significance of this variant remains unclear.